The following is an entry in ClinVar:

NM_018127.7(ELAC2):c.1880C>T (p.Ser627Leu)

Gene: ELAC2 (elaC ribonuclease Z 2; minus strand). Cytogenetic location: 17p12.
Variant type: single nucleotide variant.
Coding change: c.1880C>T on transcript NM_018127.7 (MANE Select); coding-DNA position 1880, C replaced by T.
Protein change: p.Ser627Leu; replaces serine 627 with leucine.
Molecular consequence: missense variant.
Genome position (GRCh38, 1-based): chr17:12,994,991, G>A on the plus strand (C>T on the coding strand, the complement: ELAC2 is on the minus strand). VCF-style: chr17-12994991-G-A. GRCh37 (hg19) VCF-style: chr17-12898308-G-A.
Other names: c.1760C>T, p.Ser587Leu (NM_001165962.2); c.1877C>T, p.Ser626Leu (NM_173717.2); short protein forms S587L, S627L, S626L.
Identifiers: ClinVar variation 698525 (VCV000698525.9), dbSNP rs78105154, ClinGen allele CA8401034.

ClinVar aggregate classification (germline): Likely benign. Review status: criteria provided, multiple submitters, no conflicts (2 of 4 stars). 2 submissions from 2 submitters: Likely benign (2). Last evaluated 2026-01-06.

Conditions:
ELAC2-related disorder. Also called: ELAC2-related condition.
Combined oxidative phosphorylation defect type 17. Also called: Combined oxidative phosphorylation deficiency 17. Identifiers: Orphanet 369913, MedGen C3809526, MONDO:0014190, OMIM 615440.

Allele frequency attached by ClinVar (database versions not stated): gnomAD 0.00006 and 0.00022; TOPMed 0.00007; ExAC 0.00032; gnomAD exomes 0.00032 and 0.00038; 1000 Genomes Project 30x 0.00109; 1000 Genomes Project 0.00120.
gnomAD v4.1: 572 of 1,614,170 alleles (0.035%); highest among the groups gnomAD compares: East Asian, 1.1%; 5 homozygotes.

Submissions (2):

Labcorp Genetics (formerly Invitae), Labcorp
Classification: Likely benign for Combined oxidative phosphorylation defect type 17. Last evaluated: 2026-01-06. Review status: criteria provided, single submitter. Criteria: Invitae Variant Classification Sherloc (09022015). Collection method: clinical testing. Allele origin: germline.

PreventionGenetics, part of Exact Sciences
Classification: Likely benign for ELAC2-related condition. Last evaluated: 2025-06-17. Review status: criteria provided, single submitter. Criteria: ACMG Guidelines, 2015. Collection method: clinical testing. Allele origin: germline.
Comment: This variant is classified as likely benign based on ACMG/AMP sequence variant interpretation guidelines (Richards et al. 2015 PMID: 25741868, with internal and published modifications).